The following is an entry in ClinVar:

NM_004646.4(NPHS1):c.2596del (p.Arg866fs)

Gene: NPHS1 (NPHS1 adhesion molecule, nephrin; minus strand). Cytogenetic location: 19q13.12.
Variant type: Deletion.
Coding change: c.2596del on transcript NM_004646.4 (MANE Select); coding-DNA position 2596, one base deleted (C; older notation c.2596delC).
Protein change: p.Arg866fs; shifts the reading frame from arginine 866.
Molecular consequence: frameshift variant.
Genome position (GRCh38, 1-based): chr19:35,842,191, G deleted on the plus strand (C on the coding strand, the reverse complement: NPHS1 is on the minus strand); the first of 3 consecutive G bases (chr19:35,842,191-35,842,193); deleting any one gives the same sequence. VCF-style (leftmost placement, unchanged base first): chr19-35842190-CG-C. GRCh37 (hg19) VCF-style: chr19-36333092-CG-C.
Other names: short protein forms R866fs.
Identifiers: ClinVar variation 5015196 (VCV005015196.1).

ClinVar aggregate classification (germline): Pathogenic (1 of 4 stars; one submission).

Conditions:
Finnish congenital nephrotic syndrome (NPHS1). Also called: NEPHROTIC SYNDROME, TYPE 1. Identifiers: Orphanet 839, MedGen C0403399, MONDO:0009732, OMIM 256300.

Submission:

Myriad Genetics, Inc.
Classification: Pathogenic for Finnish congenital nephrotic syndrome. Last evaluated: 2025-11-10. Review status: criteria provided, single submitter. Criteria: Myriad Autosomal Dominant, Autosomal Recessive and X-Linked Classification Criteria (2023). Collection method: clinical testing. Allele origin: unknown.
Comment: NM_004646.3(NPHS1):c.2596delC(R866Efs*39) is expected to be pathogenic in the context of nephrotic syndrome, NPHS1-related. This variant is predicted to lead to an abnormal or absent protein product due to the creation of a premature termination codon in NPHS1, a gene where loss-of-function variants are known to be pathogenic. Please note: this variant was assessed in the context of healthy population screening.